The following is an entry in ClinVar:

ClinVar aggregate classification (germline): Uncertain significance (1 of 4 stars; one submission).

Conditions:
Neuronal ceroid lipofuscinosis 2. Also called: JANSKY-BIELSCHOWSKY DISEASE NEURONAL CEROID LIPOFUSCINOSIS, LATE INFANTILE; TPP1-Related Neuronal Ceroid-Lipofuscinosis. Identifiers: Orphanet 168491, Orphanet 228349, Orphanet 79264, MedGen C1876161, MONDO:0008769, OMIM 204500.

Submission:

Myriad Genetics, Inc.
Classification: Uncertain significance for Neuronal ceroid lipofuscinosis 2. Last evaluated: 2025-08-19. Review status: criteria provided, single submitter. Criteria: Myriad Autosomal Dominant, Autosomal Recessive and X-Linked Classification Criteria (2023). Collection method: clinical testing. Allele origin: unknown.
Comment: NM_000391.3(TPP1):c.1496C>A(P499H) is a missense variant classified as a variant of uncertain significance in the context of TPP1-related neuronal ceroid lipofuscinosis. P499H has not been observed in cases with relevant disease. Relevant functional assessments of this variant are not available in the literature. P499H has been observed in referenced population frequency databases. In summary, there is insufficient evidence to classify NM_000391.3(TPP1):c.1496C>A(P499H) as pathogenic or benign. Please note: this variant was assessed in the context of healthy population screening.

NM_000391.4(TPP1):c.1496C>A (p.Pro499His)

Gene: TPP1 (tripeptidyl peptidase 1; minus strand). Cytogenetic location: 11p15.4.
Variant type: single nucleotide variant.
Coding change: c.1496C>A on transcript NM_000391.4 (MANE Select); coding-DNA position 1496, C replaced by A.
Protein change: p.Pro499His; replaces proline 499 with histidine.
Molecular consequence: missense variant.
Genome position (GRCh38, 1-based): chr11:6,614,921, G>T on the plus strand (C>A on the coding strand, the complement: TPP1 is on the minus strand). VCF-style: chr11-6614921-G-T. GRCh37 (hg19) VCF-style: chr11-6636152-G-T.
Other names: short protein forms P499H.
Identifiers: ClinVar variation 5003345 (VCV005003345.1).
Genomic context (GRCh38, chr11:6,614,921, plus strand): 5'-CTTACATCAAAGAGTCCTGCCCCATGCTGCTGGTAGAGCCTTGGGTTGAGAAAGCCAAGA[G>T]GGGGGCGGCCACTAAGGATCCTGTGCTCATTGATCAAGGATAGGATCCCCCCAAACACTG-3'
Protein context (NP_000382.3, residues 489-509): NEHRILSGRP[Pro499His]LGFLNPRLYQ